The following is an entry in ClinVar:

NM_004369.4(COL6A3):c.3475G>A (p.Gly1159Arg)

Gene: COL6A3 (collagen type VI alpha 3 chain; minus strand). Cytogenetic location: 2q37.3.
Variant type: single nucleotide variant.
Coding change: c.3475G>A on transcript NM_004369.4 (MANE Select); coding-DNA position 3475, G replaced by A.
Protein change: p.Gly1159Arg; replaces glycine 1159 with arginine.
Molecular consequence: missense variant.
Genome position (GRCh38, 1-based): chr2:237,374,616, C>T on the plus strand (G>A on the coding strand, the complement: COL6A3 is on the minus strand). VCF-style: chr2-237374616-C-T. GRCh37 (hg19) VCF-style: chr2-238283259-C-T.
Other names: c.2254G>A, p.Gly752Arg (NM_057164.5); c.2857G>A, p.Gly953Arg (NM_057165.5, NM_057167.4); c.1654G>A, p.Gly552Arg (NM_057166.5); short protein forms G1159R, G953R, G552R, G752R.
Identifiers: ClinVar variation 2768424 (VCV002768424.4), dbSNP rs146313030, ClinGen allele CA351202629.

ClinVar aggregate classification (germline): Uncertain significance. Review status: criteria provided, multiple submitters, no conflicts (2 of 4 stars). 2 submissions from 2 submitters: Uncertain significance (2). Last evaluated 2024-07-22.

Conditions:
Inborn genetic diseases. Identifiers: MedGen C0950123, MeSH D030342.
Bethlem myopathy 1A. Also called: Bethlem myopathy 1; Bethlem Muscular Dystrophy; MYOPATHY, BENIGN CONGENITAL, WITH CONTRACTURES. Identifiers: Orphanet 610, MedGen CN029274, MONDO:0024530, OMIM 158810.

Allele frequency attached by ClinVar (database versions not stated): gnomAD exomes 0.00001.
gnomAD v4.1: 12 of 1,614,074 alleles (0.00074%); highest among the groups gnomAD compares: Admixed American, 0.015%; no homozygotes.

Submissions (2):

Ambry Genetics
Classification: Uncertain significance for Inborn genetic diseases. Last evaluated: 2024-07-22. Review status: criteria provided, single submitter. Criteria: Ambry Variant Classification Scheme 2023. Collection method: clinical testing. Allele origin: germline.

Labcorp Genetics (formerly Invitae), Labcorp
Classification: Uncertain significance for Bethlem myopathy 1A. Last evaluated: 2023-04-20. Review status: criteria provided, single submitter. Criteria: Invitae Variant Classification Sherloc (09022015). Collection method: clinical testing. Allele origin: germline.
Comment: In summary, the available evidence is currently insufficient to determine the role of this variant in disease. Therefore, it has been classified as a Variant of Uncertain Significance. Advanced modeling of protein sequence and biophysical properties (such as structural, functional, and spatial information, amino acid conservation, physicochemical variation, residue mobility, and thermodynamic stability) has been performed at Invitae for this missense variant, however the output from this modeling did not meet the statistical confidence thresholds required to predict the impact of this variant on COL6A3 protein function. This variant has not been reported in the literature in individuals affected with COL6A3-related conditions. This variant is present in population databases (no rsID available, gnomAD 0.003%). This sequence change replaces glycine, which is neutral and non-polar, with arginine, which is basic and polar, at codon 1159 of the COL6A3 protein (p.Gly1159Arg).